The following is an entry in ClinVar:

ClinVar aggregate classification (germline): Uncertain significance (1 of 4 stars; one submission).

Conditions:
Epileptic encephalopathy. Identifiers: MedGen C0543888, HP:0200134.

Allele frequency attached by ClinVar (database versions not stated): ExAC 0.00001; gnomAD 0.00001; TOPMed 0.00001; gnomAD exomes 0.00002.
gnomAD v4.1: 10 of 1,606,062 alleles (0.00062%); highest among the groups gnomAD compares: Non-Finnish European, 0.00026%; no homozygotes.

Submission:

Labcorp Genetics (formerly Invitae), Labcorp
Classification: Uncertain significance for Epileptic encephalopathy. Last evaluated: 2018-10-25. Review status: criteria provided, single submitter. Criteria: Invitae Variant Classification Sherloc (09022015). Collection method: clinical testing. Allele origin: germline.
Comment: This sequence change replaces asparagine with lysine at codon 541 of the RYR3 protein (p.Asn541Lys). The asparagine residue is moderately conserved and there is a moderate physicochemical difference between asparagine and lysine. This variant is present in population databases (rs773784804, ExAC 0.002%). This variant has not been reported in the literature in individuals with RYR3-related disease. Algorithms developed to predict the effect of missense changes on protein structure and function (SIFT, PolyPhen-2, Align-GVGD) all suggest that this variant is likely to be tolerated, but these predictions have not been confirmed by published functional studies and their clinical significance is uncertain. In summary, the available evidence is currently insufficient to determine the role of this variant in disease. Therefore, it has been classified as a Variant of Uncertain Significance.

NM_001036.6(RYR3):c.1623C>A (p.Asn541Lys)

Gene: RYR3 (ryanodine receptor 3; plus strand). Cytogenetic location: 15q14.
Variant type: single nucleotide variant.
Coding change: c.1623C>A on transcript NM_001036.6 (MANE Select); coding-DNA position 1623, C replaced by A.
Protein change: p.Asn541Lys; replaces asparagine 541 with lysine.
Molecular consequence: missense variant.
Genome position (GRCh38, 1-based): chr15:33,584,444, C>A. VCF-style: chr15-33584444-C-A. GRCh37 (hg19) VCF-style: chr15-33876645-C-A.
Other names: c.1623C>A, p.Asn541Lys (NM_001243996.4); short protein forms N541K.
Identifiers: ClinVar variation 649409 (VCV000649409.1), dbSNP rs773784804, ClinGen allele CA7458193.